The following is an entry in ClinVar:

NM_004366.6(CLCN2):c.1116_1123dup (p.Ser375fs)

Gene: CLCN2 (chloride voltage-gated channel 2; minus strand). Cytogenetic location: 3q27.1.
Variant type: Duplication.
Coding change: c.1116_1123dup on transcript NM_004366.6 (MANE Select); coding-DNA positions 1116 to 1123, 8 bases duplicated (GCTCATCT; older notation c.1116_1123dupGCTCATCT).
Protein change: p.Ser375fs; shifts the reading frame from serine 375.
Molecular consequence: frameshift variant.
Genome position (GRCh38, 1-based): chr3:184,355,741-184,355,748, AGATGAGC duplicated on the plus strand (GCTCATCT on the coding strand, the reverse complement: CLCN2 is on the minus strand); duplicating any 8 consecutive bases within chr3:184,355,741-184,355,750 gives the same sequence; the c. name uses the placement nearest the transcript's 3' end. VCF-style (leftmost placement, unchanged base first): chr3-184355740-G-GAGATGAGC. GRCh37 (hg19) VCF-style: chr3-184073528-G-GAGATGAGC.
Other names: c.1116_1123dup, p.Ser375fs (NM_001171087.3, NM_001171089.3); c.984_991dup, p.Ser331fs (NM_001171088.3); short protein forms S375fs, S331fs.
Identifiers: ClinVar variation 3718367 (VCV003718367.2).

ClinVar aggregate classification (germline): Pathogenic (1 of 4 stars; one submission).

Submission:

Labcorp Genetics (formerly Invitae), Labcorp
Classification: Pathogenic. Last evaluated: 2025-09-08. Review status: criteria provided, single submitter. Criteria: Invitae Variant Classification Sherloc (09022015). Collection method: clinical testing. Allele origin: germline.
Comment: This sequence change creates a premature translational stop signal (p.Ser375Cysfs*6) in the CLCN2 gene. It is expected to result in an absent or disrupted protein product. Loss-of-function variants in CLCN2 are known to be pathogenic (PMID: 23707145). This variant is not present in population databases (gnomAD no frequency). This premature translational stop signal has been observed in individual(s) with autosomal recessive CLCN2-related leukoencephalopathy (PMID: 31291907). ClinVar contains an entry for this variant (Variation ID: 3718367). Algorithms developed to predict the effect of sequence changes on RNA splicing suggest that this variant may disrupt the consensus splice site. For these reasons, this variant has been classified as Pathogenic.

Literature cited by the submitters: PubMed 23707145; PubMed 31291907.